The following is an entry in ClinVar:

ClinVar aggregate classification (germline): Uncertain significance. Review status: criteria provided, multiple submitters, no conflicts (2 of 4 stars). 3 submissions from 3 submitters: Uncertain significance (3). Last evaluated 2024-10-02.

Conditions:
Inborn genetic diseases. Identifiers: MedGen C0950123, MeSH D030342.
Fanconi anemia (FA). Also called: Fanconi's anemia. Identifiers: Orphanet 84, MedGen C0015625, MeSH D005199, MONDO:0019391.
Fanconi anemia complementation group A (FANCA). Also called: FANCA-Related Fanconi Anemia; Fanconi anemia, group A. Identifiers: Orphanet 84, MedGen C3469521, MONDO:0009215, OMIM 227650.

Allele frequency attached by ClinVar (database versions not stated): ExAC 0.00001; gnomAD 0.00001.
gnomAD v4.1: 6 of 1,614,010 alleles (0.00037%); highest among the groups gnomAD compares: East Asian, 0.0067%; no homozygotes.

Submissions (3):

Ambry Genetics
Classification: Uncertain significance for Inborn genetic diseases. Last evaluated: 2024-10-02. Review status: criteria provided, single submitter. Criteria: Ambry Variant Classification Scheme 2023. Collection method: clinical testing. Allele origin: germline.
Comment: The p.H133Y variant (also known as c.397C>T), located in coding exon 4 of the FANCA gene, results from a C to T substitution at nucleotide position 397. The histidine at codon 133 is replaced by tyrosine, an amino acid with similar properties. This amino acid position is conserved. In addition, this alteration is predicted to be tolerated by in silico analysis. Based on the available evidence, the clinical significance of this variant remains unclear.

Fulgent Genetics
Classification: Uncertain significance for Fanconi anemia complementation group A. Last evaluated: 2024-03-13. Review status: criteria provided, single submitter. Criteria: ACMG Guidelines, 2015. Collection method: clinical testing. Allele origin: germline.

Labcorp Genetics (formerly Invitae), Labcorp
Classification: Uncertain significance for Fanconi anemia. Last evaluated: 2022-10-08. Review status: criteria provided, single submitter. Criteria: Invitae Variant Classification Sherloc (09022015). Collection method: clinical testing. Allele origin: germline.
Comment: This sequence change replaces histidine, which is basic and polar, with tyrosine, which is neutral and polar, at codon 133 of the FANCA protein (p.His133Tyr). This variant is present in population databases (rs747017637, gnomAD 0.01%). This variant has not been reported in the literature in individuals affected with FANCA-related conditions. Advanced modeling of protein sequence and biophysical properties (such as structural, functional, and spatial information, amino acid conservation, physicochemical variation, residue mobility, and thermodynamic stability) performed at Invitae indicates that this missense variant is not expected to disrupt FANCA protein function. In summary, the available evidence is currently insufficient to determine the role of this variant in disease. Therefore, it has been classified as a Variant of Uncertain Significance.

NM_000135.4(FANCA):c.397C>T (p.His133Tyr)

Gene: FANCA (FA complementation group A; minus strand). Cytogenetic location: 16q24.3.
Variant type: single nucleotide variant.
Coding change: c.397C>T on transcript NM_000135.4 (MANE Select); coding-DNA position 397, C replaced by T.
Protein change: p.His133Tyr; replaces histidine 133 with tyrosine.
Molecular consequence: missense variant.
Genome position (GRCh38, 1-based): chr16:89,810,958, G>A on the plus strand (C>T on the coding strand, the complement: FANCA is on the minus strand). VCF-style: chr16-89810958-G-A. GRCh37 (hg19) VCF-style: chr16-89877366-G-A.
Other names: c.397C>T, p.His133Tyr (NM_001018112.3, NM_001286167.3, NM_001351830.2); short protein forms H133Y.
Identifiers: ClinVar variation 1905381 (VCV001905381.4), dbSNP rs747017637, ClinGen allele CA8253037.